The following is an entry in ClinVar:

NM_000170.3(GLDC):c.4C>T (p.Gln2Ter)

Gene: GLDC (glycine decarboxylase; minus strand). Cytogenetic location: 9p24.1.
Variant type: single nucleotide variant.
Coding change: c.4C>T on transcript NM_000170.3 (MANE Select); coding-DNA position 4, C replaced by T.
Protein change: p.Gln2Ter; replaces glutamine 2 with a stop codon.
Molecular consequence: nonsense.
Genome position (GRCh38, 1-based): chr9:6,645,496, G>A on the plus strand (C>T on the coding strand, the complement: GLDC is on the minus strand). VCF-style: chr9-6645496-G-A. GRCh37 (hg19) VCF-style: chr9-6645496-G-A.
Other names: short protein forms Q2*.
Identifiers: ClinVar variation 551780 (VCV000551780.10), dbSNP rs1554652870, ClinGen allele CA372887692.

ClinVar aggregate classification (germline): Pathogenic/Likely pathogenic. Review status: criteria provided, multiple submitters, no conflicts (2 of 4 stars). 3 submissions from 3 submitters: Pathogenic (1); Likely pathogenic (1). 1 of the submissions does not count toward it. Last evaluated 2024-03-06.

Conditions:
Glycine encephalopathy. Also called: Non-ketotic hyperglycinemia; Nonketotic hyperglycinemia. Identifiers: Orphanet 407, MedGen C0751748, MONDO:0011612, HP:0008288.
Glycine encephalopathy 1 (GCE1). Identifiers: MedGen CN376801, MONDO:0958179, OMIM 605899.

Submissions (3):

Fulgent Genetics
Classification: Likely pathogenic for Glycine encephalopathy 1. Last evaluated: 2024-03-06. Review status: criteria provided, single submitter. Criteria: ACMG Guidelines, 2015. Collection method: clinical testing. Allele origin: germline.

Labcorp Genetics (formerly Invitae), Labcorp
Classification: Pathogenic for Glycine encephalopathy. Last evaluated: 2023-12-14. Review status: criteria provided, single submitter. Criteria: Invitae Variant Classification Sherloc (09022015). Collection method: clinical testing. Allele origin: germline.
Comment: This sequence change creates a premature translational stop signal (p.Gln2*) in the GLDC gene. It is expected to result in an absent or disrupted protein product. Loss-of-function variants in GLDC are known to be pathogenic (PMID: 16601880). This variant is not present in population databases (gnomAD no frequency). This variant has not been reported in the literature in individuals affected with GLDC-related conditions. ClinVar contains an entry for this variant (Variation ID: 551780). For these reasons, this variant has been classified as Pathogenic.

Counsyl
Classification: Likely pathogenic for Glycine encephalopathy 1. Last evaluated: 2017-05-09. Review status: no assertion criteria provided. Collection method: clinical testing. Allele origin: unknown. Not counted in ClinVar's aggregate classification.

Literature cited by the submitters: PubMed 16601880 (cited by Labcorp Genetics (formerly Invitae), Labcorp).